The following is an entry in ClinVar:

NM_002458.3(MUC5B):c.10037C>T (p.Thr3346Met)

Genes: MUC5B (mucin 5B, oligomeric mucus/gel-forming; plus strand), MUC5B-AS1 (MUC5B antisense RNA 1; minus strand). Cytogenetic location: 11p15.5.
Variant type: single nucleotide variant.
Coding change: c.10037C>T on transcript NM_002458.3 (MANE Select); coding-DNA position 10037, C replaced by T.
Protein change: p.Thr3346Met; replaces threonine 3346 with methionine.
Molecular consequence: missense variant.
Genome position (GRCh38, 1-based): chr11:1,246,917, C>T. VCF-style: chr11-1246917-C-T. GRCh37 (hg19) VCF-style: chr11-1268147-C-T.
Other names: short protein forms T3346M.
Identifiers: ClinVar variation 3256993 (VCV003256993.17).

ClinVar aggregate classification (germline): Likely benign (1 of 4 stars; one submission).

gnomAD v4.1: 1,273 of 1,610,838 alleles (0.079%); highest among the groups gnomAD compares: Admixed American, 0.2%; 6 homozygotes.

Submission:

CeGaT Center for Human Genetics Tuebingen
Classification: Likely benign. Last evaluated: 2024-07-01. Review status: criteria provided, single submitter. Criteria: CeGaT Center For Human Genetics Tuebingen Variant Classification Criteria Version 2. Collection method: clinical testing. Allele origin: germline. Affected: yes. Observed: 1 variant allele.
Comment: MUC5B: BP4, BS1